The following is an entry in ClinVar:

ClinVar aggregate classification (germline): Likely benign (1 of 4 stars; one submission).

Allele frequency attached by ClinVar (database versions not stated): gnomAD exomes below 0.00001; ExAC 0.00001; gnomAD 0.00001; 1000 Genomes Project 30x 0.00016; 1000 Genomes Project 0.00020.

Submission:

Phosphorus, Inc.
Classification: Likely benign. Last evaluated: 2022-01-14. Review status: criteria provided, single submitter. Criteria: ACMG Guidelines, 2015. Collection method: clinical testing. Allele origin: germline. Inheritance: Autosomal dominant inheritance.
Comment: This variant is located 5bp away from the canonical splice-site in intron 8 of the MYLK gene (transcript: NM_053025.3). This variant does not have an entry in ClinVar. This variant occurred in gnomAD with a total MAF of 0.0004% and the highest MAF of 0.0032% in the South Asian population. This position is not conserved. In silico splicing algorithms predicted that this variant will not have an impact on splicing (dbscSNV= 0.04199). The variant has not occurred in the literature in association with disease. Considering that the variant has a relatively high frequency in the population, it has been classified as Likely Benign.

NM_053025.4(MYLK):c.754+5C>T

Gene: MYLK (myosin light chain kinase; minus strand). Cytogenetic location: 3q21.1.
Variant type: single nucleotide variant.
Coding change: c.754+5C>T on transcript NM_053025.4 (MANE Select); 5 bases into the intron after coding-DNA position 754, C replaced by T.
Molecular consequence: intron variant.
Genome position (GRCh38, 1-based): chr3:123,737,373, G>A on the plus strand (C>T on the coding strand, the complement: MYLK is on the minus strand). VCF-style: chr3-123737373-G-A. GRCh37 (hg19) VCF-style: chr3-123456220-G-A.
Other names: c.226+5C>T (NM_001321309.2); c.754+5C>T (NM_053028.4, NM_053026.4, NM_053027.4).
Identifiers: ClinVar variation 1339290 (VCV001339290.1), dbSNP rs551530267, ClinGen allele CA073558.